The following is an entry in ClinVar:

ClinVar aggregate classification (germline): Uncertain significance. Review status: criteria provided, multiple submitters, no conflicts (2 of 4 stars). 3 submissions from 3 submitters: Uncertain significance (2). 1 of the submissions does not count toward it. Last evaluated 2024-10-15.

Conditions:
Fanconi anemia (FA). Also called: Fanconi's anemia. Identifiers: Orphanet 84, MedGen C0015625, MeSH D005199, MONDO:0019391.

Allele frequency attached by ClinVar (database versions not stated): gnomAD exomes below 0.00001 and 0.00001; gnomAD 0.00001 and 0.00002; TOPMed 0.00001.
gnomAD v4.1: 24 of 1,614,012 alleles (0.0015%); highest among the groups gnomAD compares: Non-Finnish European, 0.0018%; no homozygotes.

Submissions (3):

Quest Diagnostics Nichols Institute San Juan Capistrano
Classification: Uncertain significance. Last evaluated: 2024-10-15. Review status: criteria provided, single submitter. Criteria: Quest Diagnostics criteria. Collection method: clinical testing. Allele origin: unknown.
Comment: The FANCA c.2141G>A (p.Arg714Gln) variant has not been reported in individuals with FANCA-related conditions in the published literature. The frequency of this variant in the general population, 0.000004 (1/251478 chromosomes (Genome Aggregation Database)), is uninformative in the assessment of its pathogenicity. Analysis of this variant using bioinformatics tools for the prediction of the effect of amino acid changes on protein structure and function yielded predictions that this variant is benign. Based on the available information, we are unable to determine the clinical significance of this variant.

Labcorp Genetics (formerly Invitae), Labcorp
Classification: Uncertain significance for Fanconi anemia. Last evaluated: 2022-05-13. Review status: criteria provided, single submitter. Criteria: Invitae Variant Classification Sherloc (09022015). Collection method: clinical testing. Allele origin: germline.
Comment: This sequence change replaces arginine, which is basic and polar, with glutamine, which is neutral and polar, at codon 714 of the FANCA protein (p.Arg714Gln). This variant is present in population databases (no rsID available, gnomAD 0.003%). This variant has not been reported in the literature in individuals affected with FANCA-related conditions. ClinVar contains an entry for this variant (Variation ID: 1006381). Advanced modeling of protein sequence and biophysical properties (such as structural, functional, and spatial information, amino acid conservation, physicochemical variation, residue mobility, and thermodynamic stability) performed at Invitae indicates that this missense variant is not expected to disrupt FANCA protein function. In summary, the available evidence is currently insufficient to determine the role of this variant in disease. Therefore, it has been classified as a Variant of Uncertain Significance.

Natera, Inc.
Classification: Uncertain significance for Fanconi anemia. Last evaluated: 2020-12-30. Review status: no assertion criteria provided. Collection method: clinical testing. Allele origin: germline. Not counted in ClinVar's aggregate classification.

NM_000135.4(FANCA):c.2141G>A (p.Arg714Gln)

Gene: FANCA (FA complementation group A; minus strand). Cytogenetic location: 16q24.3.
Variant type: single nucleotide variant.
Coding change: c.2141G>A on transcript NM_000135.4 (MANE Select); coding-DNA position 2141, G replaced by A.
Protein change: p.Arg714Gln; replaces arginine 714 with glutamine.
Molecular consequence: missense variant.
Genome position (GRCh38, 1-based): chr16:89,771,688, C>T on the plus strand (G>A on the coding strand, the complement: FANCA is on the minus strand). VCF-style: chr16-89771688-C-T. GRCh37 (hg19) VCF-style: chr16-89838096-C-T.
Other names: c.2141G>A, p.Arg714Gln (NM_001286167.3); c.2141G>A (NM_000135.3); short protein forms R714Q.
Identifiers: ClinVar variation 1006381 (VCV001006381.7), dbSNP rs1054636249, ClinGen allele CA286566433.